The following is an entry in ClinVar:

ClinVar aggregate classification (germline): Pathogenic (1 of 4 stars; one submission).

Conditions:
Hereditary cancer-predisposing syndrome. Also called: Neoplastic Syndromes, Hereditary; Tumor predisposition; Hereditary Cancer Syndrome; Hereditary neoplastic syndrome. Identifiers: Orphanet 140162, MedGen C0027672, MeSH D009386, MONDO:0015356.

Submission:

Ambry Genetics
Classification: Pathogenic for Hereditary cancer-predisposing syndrome. Last evaluated: 2021-10-15. Review status: criteria provided, single submitter. Criteria: Ambry Variant Classification Scheme 2023. Collection method: clinical testing. Allele origin: germline.
Comment: The c.1619_1620delGCinsAA pathogenic mutation (also known as p.C540*), located in coding exon 10 of the ATM gene, results from an in-frame deletion of GC and insertion of AA at nucleotide positions 1619 to 1620. This changes the amino acid from a cysteine to a stop codon within coding exon 10. This variant is considered to be rare based on population cohorts in the Genome Aggregation Database (gnomAD). This alteration is expected to result in loss of function by premature protein truncation or nonsense-mediated mRNA decay. As such, this alteration is interpreted as a disease-causing mutation.

NM_000051.4(ATM):c.1619_1620delinsAA (p.Cys540Ter)

Gene: ATM (ATM serine/threonine kinase; plus strand). Cytogenetic location: 11q22.3.
Variant type: Indel.
Coding change: c.1619_1620delinsAA on transcript NM_000051.4 (MANE Select); coding-DNA positions 1619 to 1620, GC replaced by AA.
Protein change: p.Cys540Ter; replaces cysteine 540 with a stop codon.
Molecular consequence: nonsense.
Genome position (GRCh38, 1-based): chr11:108,251,848-108,251,849, GC replaced by AA. VCF-style: chr11-108251848-GC-AA. GRCh37 (hg19) VCF-style: chr11-108122575-GC-AA.
Other names: c.1619_1620delinsAA, p.Cys540Ter (NM_001351834.2); short protein forms C540*.
Identifiers: ClinVar variation 1776546 (VCV001776546.2), dbSNP rs2497266737, ClinGen allele CA2580083791.